The following is an entry in ClinVar:

NM_017849.4(TMEM127):c.191A>G (p.Gln64Arg)

Gene: TMEM127 (transmembrane protein 127; minus strand). Cytogenetic location: 2q11.2.
Variant type: single nucleotide variant.
Coding change: c.191A>G on transcript NM_017849.4 (MANE Select); coding-DNA position 191, A replaced by G.
Protein change: p.Gln64Arg; replaces glutamine 64 with arginine.
Molecular consequence: missense variant.
Genome position (GRCh38, 1-based): chr2:96,265,191, T>C on the plus strand (A>G on the coding strand, the complement: TMEM127 is on the minus strand). VCF-style: chr2-96265191-T-C. GRCh37 (hg19) VCF-style: chr2-96930929-T-C.
Other names: c.191A>G, p.Gln64Arg (NM_001193304.3); short protein forms Q64R.
Identifiers: ClinVar variation 2151049 (VCV002151049.5), dbSNP rs1219347172, ClinGen allele CA347655930.

ClinVar aggregate classification (germline): Uncertain significance. Review status: criteria provided, multiple submitters, no conflicts (2 of 4 stars). 2 submissions from 2 submitters: Uncertain significance (2). Last evaluated 2024-10-15.

Conditions:
Hereditary cancer-predisposing syndrome. Also called: Tumor predisposition; Hereditary Cancer Syndrome; Hereditary neoplastic syndrome; Neoplastic Syndromes, Hereditary. Identifiers: Orphanet 140162, MedGen C0027672, MeSH D009386, MONDO:0015356.
Hereditary pheochromocytoma and paraganglioma. Also called: Hereditary paragangliomas and pheochromocytomas; Hereditary Paraganglioma-Pheochromocytoma Syndromes; Hereditary pheochromocytoma-paraganglioma. Identifiers: Orphanet 29072, MedGen C4274332, MONDO:0017366.

Submissions (2):

Labcorp Genetics (formerly Invitae), Labcorp
Classification: Uncertain significance for Hereditary pheochromocytoma and paraganglioma. Last evaluated: 2024-10-15. Review status: criteria provided, single submitter. Criteria: Invitae Variant Classification Sherloc (09022015). Collection method: clinical testing. Allele origin: germline.
Comment: This sequence change replaces glutamine, which is neutral and polar, with arginine, which is basic and polar, at codon 64 of the TMEM127 protein (p.Gln64Arg). This variant is not present in population databases (gnomAD no frequency). This variant has not been reported in the literature in individuals affected with TMEM127-related conditions. ClinVar contains an entry for this variant (Variation ID: 2151049). An algorithm developed to predict the effect of missense changes on protein structure and function (PolyPhen-2) suggests that this variant is likely to be tolerated. In summary, the available evidence is currently insufficient to determine the role of this variant in disease. Therefore, it has been classified as a Variant of Uncertain Significance.

Ambry Genetics
Classification: Uncertain significance for Hereditary cancer-predisposing syndrome. Last evaluated: 2024-08-19. Review status: criteria provided, single submitter. Criteria: Ambry Variant Classification Scheme 2023. Collection method: clinical testing. Allele origin: germline.
Comment: The p.Q64R variant (also known as c.191A>G), located in coding exon 1 of the TMEM127 gene, results from an A to G substitution at nucleotide position 191. The glutamine at codon 64 is replaced by arginine, an amino acid with highly similar properties. This amino acid position is conserved. In addition, the in silico prediction for this alteration is inconclusive. Based on the available evidence, the clinical significance of this variant remains unclear.